The following is an entry in ClinVar:

NM_001458.5(FLNC):c.6226C>T (p.Leu2076=)

Genes: FLNC (filamin C; plus strand), FLNC-AS1 (FLNC antisense RNA 1; minus strand). Cytogenetic location: 7q32.1.
Variant type: single nucleotide variant.
Coding change: c.6226C>T on transcript NM_001458.5 (MANE Select); coding-DNA position 6226, C replaced by T.
Protein change: p.Leu2076=; no amino-acid change (leucine 2076 retained).
Molecular consequence: synonymous variant.
Genome position (GRCh38, 1-based): chr7:128,853,486, C>T. VCF-style: chr7-128853486-C-T. GRCh37 (hg19) VCF-style: chr7-128493540-C-T.
Other names: c.6127C>T, p.Leu2043= (NM_001127487.2).
Identifiers: ClinVar variation 706775 (VCV000706775.20), dbSNP rs756921919, ClinGen allele CA4475924.

ClinVar aggregate classification (germline): Likely benign. Review status: criteria provided, multiple submitters, no conflicts (2 of 4 stars). 7 submissions from 7 submitters: Likely benign (7). Last evaluated 2025-08-20.

Conditions:
FLNC-related disorder. Also called: FLNC-related disorders; FLNC-related condition.
Cardiovascular phenotype. Identifiers: MedGen CN230736.
Cardiomyopathy (CMYO). Also called: Cardiomyopathies. Identifiers: Orphanet 167848, MedGen C0878544, MONDO:0004994, HP:0001638. Inheritance: Various modes of inheritance.
Myofibrillar myopathy 5. Also called: Filaminopathy (type); FILAMINOPATHY, AUTOSOMAL DOMINANT. Identifiers: Orphanet 171445, MedGen C1836050, MONDO:0012289, OMIM 609524.
Distal myopathy with posterior leg and anterior hand involvement. Also called: WILLIAMS DISTAL MYOPATHY. Identifiers: Orphanet 63273, MedGen C3279722, MONDO:0013550, OMIM 614065.
Hypertrophic cardiomyopathy 26. Also called: Cardiomyopathy, familial hypertrophic, 26. Identifiers: Orphanet 75249, MedGen C4310749, MONDO:0014883, OMIM 617047.

Allele frequency attached by ClinVar (database versions not stated): ExAC 0.00002; gnomAD exomes 0.00002 and 0.00009; gnomAD 0.00004; TOPMed 0.00005.
gnomAD v4.1: 150 of 1,613,874 alleles (0.0093%); highest among the groups gnomAD compares: Non-Finnish European, 0.012%; no homozygotes.

Submissions (7):

Labcorp Genetics (formerly Invitae), Labcorp
Classification: Likely benign for Distal myopathy with posterior leg and anterior hand involvement; Myofibrillar myopathy 5; Hypertrophic cardiomyopathy 26. Last evaluated: 2025-08-20. Review status: criteria provided, single submitter. Criteria: Invitae Variant Classification Sherloc (09022015). Collection method: clinical testing. Allele origin: germline.

PreventionGenetics, part of Exact Sciences
Classification: Likely benign for FLNC-related condition. Last evaluated: 2025-08-04. Review status: criteria provided, single submitter. Criteria: ACMG Guidelines, 2015. Collection method: clinical testing. Allele origin: germline.
Comment: This variant is classified as likely benign based on ACMG/AMP sequence variant interpretation guidelines (Richards et al. 2015 PMID: 25741868, with internal and published modifications).

Molecular Diagnostic Laboratory for Inherited Cardiovascular Disease, Montreal Heart Institute
Classification: Likely benign. Last evaluated: 2025-04-09. Review status: criteria provided, single submitter. Criteria: ACMG Guidelines, 2015. Collection method: clinical testing. Allele origin: germline. Affected: no.

ARUP Laboratories, Molecular Genetics and Genomics, ARUP Laboratories
Classification: Likely benign. Last evaluated: 2024-11-01. Review status: criteria provided, single submitter. Criteria: ARUP Molecular Germline Variant Investigation Process 2024. Collection method: clinical testing. Allele origin: germline.

Ambry Genetics
Classification: Likely benign for Cardiovascular phenotype. Last evaluated: 2022-12-24. Review status: criteria provided, single submitter. Criteria: Ambry Variant Classification Scheme 2023. Collection method: clinical testing. Allele origin: germline.

CHEO Genetics Diagnostic Laboratory, Children's Hospital of Eastern Ontario
Classification: Likely benign for Cardiomyopathy. Last evaluated: 2021-11-01. Review status: criteria provided, single submitter. Criteria: ACMG Guidelines, 2015. Collection method: clinical testing. Allele origin: germline.

GeneDx
Classification: Likely benign. Last evaluated: 2021-04-20. Review status: criteria provided, single submitter. Criteria: GeneDx Variant Classification Process June 2021. Collection method: clinical testing. Allele origin: germline. Affected: yes.